The following is an entry in ClinVar:

ClinVar aggregate classification (germline): Likely pathogenic (1 of 4 stars; one submission).

Allele frequency attached by ClinVar (database versions not stated): gnomAD exomes below 0.00001; ExAC 0.00001; gnomAD 0.00001.
gnomAD v4.1: 3 of 1,607,956 alleles (0.00019%); highest among the groups gnomAD compares: Non-Finnish European, 0.00025%; no homozygotes.

Submission:

Labcorp Genetics (formerly Invitae), Labcorp
Classification: Likely pathogenic. Last evaluated: 2026-01-22. Review status: criteria provided, single submitter. Criteria: Invitae Variant Classification Sherloc (09022015). Collection method: clinical testing. Allele origin: germline.
Comment: This sequence change affects a donor splice site in intron 23 of the CPLANE1 gene. It is expected to disrupt RNA splicing. Variants that disrupt the donor or acceptor splice site typically lead to a loss of protein function (PMID: 16199547), and loss-of-function variants in CPLANE1 are known to be pathogenic (PMID: 24178751, 26092869). This variant is present in population databases (rs754229376, gnomAD 0.0009%). This variant has not been reported in the literature in individuals affected with CPLANE1-related conditions. ClinVar contains an entry for this variant (Variation ID: 1917262). Algorithms developed to predict the effect of sequence changes on RNA splicing suggest that this variant may disrupt the consensus splice site. In summary, the currently available evidence indicates that the variant is pathogenic, but additional data are needed to prove that conclusively. Therefore, this variant has been classified as Likely Pathogenic.

Literature cited by the submitters: PubMed 16199547; PubMed 24178751; PubMed 26092869.

NM_001384732.1(CPLANE1):c.4080+1G>A

Gene: CPLANE1 (ciliogenesis and planar polarity effector complex subunit 1; minus strand). Cytogenetic location: 5p13.2.
Variant type: single nucleotide variant.
Coding change: c.4080+1G>A on transcript NM_001384732.1 (MANE Select); the canonical splice donor site of the intron after coding-DNA position 4080, G replaced by A.
Molecular consequence: splice donor variant.
Genome position (GRCh38, 1-based): chr5:37,187,413, C>T on the plus strand (G>A on the coding strand, the complement: CPLANE1 is on the minus strand). VCF-style: chr5-37187413-C-T. GRCh37 (hg19) VCF-style: chr5-37187515-C-T.
Other names: c.4080+1G>A (NM_023073.4).
Identifiers: ClinVar variation 1917262 (VCV001917262.5), dbSNP rs754229376, ClinGen allele CA3238800.